The following is an entry in ClinVar:

ClinVar aggregate classification (germline): Likely benign. Review status: criteria provided, single submitter (1 of 4 stars). 2 submissions from 2 submitters: Likely benign (1). 1 of the submissions does not count toward it. Last evaluated 2025-01-09.

Conditions:
Inborn genetic diseases. Identifiers: MedGen C0950123, MeSH D030342.
PIDD1-related disorder. Also called: PIDD1-related condition.

Allele frequency attached by ClinVar (database versions not stated): gnomAD 0.00015; 1000 Genomes Project 30x 0.00016; 1000 Genomes Project 0.00020; TOPMed 0.00038; ExAC 0.00063.
gnomAD v4.1: 197 of 1,574,694 alleles (0.013%); highest among the groups gnomAD compares: Admixed American, 0.36%; 2 homozygotes.

Submissions (2):

Ambry Genetics
Classification: Likely benign for Inborn genetic diseases. Last evaluated: 2025-01-09. Review status: criteria provided, single submitter. Criteria: Ambry Variant Classification Scheme 2023. Collection method: clinical testing. Allele origin: germline.

PreventionGenetics, part of Exact Sciences
Classification: Likely benign for PIDD1-related condition. Last evaluated: 2019-04-02. Review status: no assertion criteria provided. Collection method: clinical testing. Allele origin: germline. Not counted in ClinVar's aggregate classification.
Comment: This variant is classified as likely benign based on ACMG/AMP sequence variant interpretation guidelines (Richards et al. 2015 PMID: 25741868, with internal and published modifications).

NM_145886.4(PIDD1):c.733C>A (p.Leu245Ile)

Gene: PIDD1 (p53-induced death domain protein 1; minus strand). Cytogenetic location: 11p15.5.
Variant type: single nucleotide variant.
Coding change: c.733C>A on transcript NM_145886.4 (MANE Select); coding-DNA position 733, C replaced by A.
Protein change: p.Leu245Ile; replaces leucine 245 with isoleucine.
Molecular consequence: missense variant.
Genome position (GRCh38, 1-based): chr11:802,868, G>T on the plus strand (C>A on the coding strand, the complement: PIDD1 is on the minus strand). VCF-style: chr11-802868-G-T. GRCh37 (hg19) VCF-style: chr11-802868-G-T.
Other names: c.733C>A, p.Leu245Ile (NM_145887.4); short protein forms L245I.
Identifiers: ClinVar variation 3044247 (VCV003044247.3), dbSNP rs563929707, ClinGen allele CA5790357.